The following is an entry in ClinVar:

ClinVar aggregate classification (germline): Uncertain significance. Review status: criteria provided, multiple submitters, no conflicts (2 of 4 stars). 3 submissions from 3 submitters: Uncertain significance (3). Last evaluated 2023-08-23.

Conditions:
Neuronal ceroid lipofuscinosis. Also called: Neuronal Ceroid Lipofuscinoses. Identifiers: Orphanet 216, Orphanet 79263, MedGen C0027877, MONDO:0016295. Disease mechanism: loss of function.
Neuronal ceroid lipofuscinosis 10 (CLN10). Also called: CTSD-Related Neuronal Ceroid-Lipofuscinosis; NEURONAL CEROID LIPOFUSCINOSIS DUE TO CATHEPSIN D DEFICIENCY. Identifiers: Orphanet 228337, MedGen C1864669, MONDO:0012414, OMIM 610127.

Allele frequency attached by ClinVar (database versions not stated): ExAC 0.00009; TOPMed 0.00009; gnomAD 0.00010; gnomAD exomes 0.00013; 1000 Genomes Project 30x 0.00016.

Submissions (3):

GeneDx
Classification: Uncertain significance. Last evaluated: 2023-08-23. Review status: criteria provided, single submitter. Criteria: GeneDx Variant Classification Process June 2021. Collection method: clinical testing. Allele origin: germline. Affected: yes.
Comment: In silico analysis supports that this missense variant does not alter protein structure/function; Has not been previously published as pathogenic or benign to our knowledge

Labcorp Genetics (formerly Invitae), Labcorp
Classification: Uncertain significance for Neuronal ceroid lipofuscinosis. Last evaluated: 2022-09-06. Review status: criteria provided, single submitter. Criteria: Invitae Variant Classification Sherloc (09022015). Collection method: clinical testing. Allele origin: germline.
Comment: This sequence change replaces serine, which is neutral and polar, with threonine, which is neutral and polar, at codon 5 of the CTSD protein (p.Ser5Thr). This variant is present in population databases (rs764386803, gnomAD 0.2%). This variant has not been reported in the literature in individuals affected with CTSD-related conditions. ClinVar contains an entry for this variant (Variation ID: 205337). Algorithms developed to predict the effect of missense changes on protein structure and function are either unavailable or do not agree on the potential impact of this missense change (SIFT: "Tolerated"; PolyPhen-2: "Not Available"; Align-GVGD: "Class C0"). In summary, the available evidence is currently insufficient to determine the role of this variant in disease. Therefore, it has been classified as a Variant of Uncertain Significance.

Illumina Laboratory Services, Illumina
Classification: Uncertain significance for Neuronal ceroid lipofuscinosis 10. Last evaluated: 2018-01-13. Review status: criteria provided, single submitter. Criteria: ICSL Variant Classification Criteria 13 December 2019. Collection method: clinical testing. Allele origin: germline.

NM_001909.5(CTSD):c.14G>C (p.Ser5Thr)

Genes: CTSD (cathepsin D; minus strand), LOC130005119 (ATAC-STARR-seq lymphoblastoid silent region 3058; plus strand). Cytogenetic location: 11p15.5.
Variant type: single nucleotide variant.
Coding change: c.14G>C on transcript NM_001909.5 (MANE Select); coding-DNA position 14, G replaced by C.
Protein change: p.Ser5Thr; replaces serine 5 with threonine.
Molecular consequence: missense variant.
Genome position (GRCh38, 1-based): chr11:1,763,846, C>G on the plus strand (G>C on the coding strand, the complement: CTSD is on the minus strand). VCF-style: chr11-1763846-C-G. GRCh37 (hg19) VCF-style: chr11-1785076-C-G.
Other names: p.S5T:AGC>ACC; short protein forms S5T.
Identifiers: ClinVar variation 205337 (VCV000205337.11), dbSNP rs764386803, ClinGen allele CA314316.